The following is an entry in ClinVar:

NM_000466.3(PEX1):c.805_806del (p.Glu269fs)

Gene: PEX1 (peroxisomal biogenesis factor 1; minus strand). Cytogenetic location: 7q21.2.
Variant type: Deletion.
Coding change: c.805_806del on transcript NM_000466.3 (MANE Select); coding-DNA positions 805 to 806, 2 bases deleted (GA; older notation c.805_806delGA).
Protein change: p.Glu269fs; shifts the reading frame from glutamic acid 269.
Molecular consequence: frameshift variant.
Genome position (GRCh38, 1-based): chr7:92,517,709-92,517,710, TC deleted on the plus strand (GA on the coding strand, the reverse complement: PEX1 is on the minus strand). VCF-style (leftmost placement, unchanged base first): chr7-92517708-TTC-T. GRCh37 (hg19) VCF-style: chr7-92147022-TTC-T.
Other names: c.805_806del, p.Glu269fs (NM_001282677.2); c.181_182del, p.Glu61fs (NM_001282678.2); short protein forms E269fs, E61fs.
Identifiers: ClinVar variation 1724261 (VCV001724261.3), dbSNP rs2484703261, ClinGen allele CA2580077837.

ClinVar aggregate classification (germline): Likely pathogenic (1 of 4 stars; one submission).

Conditions:
Peroxisome biogenesis disorder. Identifiers: Orphanet 79189, MedGen C1832200, MONDO:0019234. Disease mechanism: loss of function.

Submission:

Myriad Genetics, Inc.
Classification: Likely pathogenic for Peroxisome biogenesis disorder. Last evaluated: 2022-02-02. Review status: criteria provided, single submitter. Criteria: Myriad Autosomal Dominant, Autosomal Recessive and X-Linked Classification Criteria (2023). Collection method: clinical testing. Allele origin: unknown.
Comment: NM_000466.2(PEX1):c.805_806delGA(E269Nfs*27) is expected to be pathogenic in the context of peroxisome biogenesis disorder type 1. This variant is predicted to lead to an abnormal or absent protein product due to the creation of a premature termination codon in PEX1, a gene where loss-of-function variants are known to be pathogenic. Please note: this variant was assessed in the context of healthy population screening.